The following is an entry in ClinVar:

ClinVar aggregate classification (germline): Conflicting classifications of pathogenicity. Review status: criteria provided, conflicting classifications (1 of 4 stars). 5 submissions from 5 submitters: Uncertain significance (1); Likely benign (3). 1 of the submissions does not count toward it. Last evaluated 2025-12-29.

Conditions:
Inborn genetic diseases. Identifiers: MedGen C0950123, MeSH D030342.
Smith-Lemli-Opitz syndrome (SLOS). Also called: 7-Dehydrocholesterol reductase deficiency; LETHAL ACRODYSGENITAL SYNDROME; POLYDACTYLY, SEX REVERSAL, RENAL HYPOPLASIA, AND UNILOBAR LUNG; RSH SYNDROME; RUTLEDGE LETHAL MULTIPLE CONGENITAL ANOMALY SYNDROME. Identifiers: Orphanet 818, MedGen C0175694, MONDO:0010035, OMIM 270400.
DHCR7-related disorder. Also called: DHCR7-related condition.

Allele frequency attached by ClinVar (database versions not stated): gnomAD 0.00006; TOPMed 0.00006; 1000 Genomes Project 30x 0.00016; 1000 Genomes Project 0.00020.
gnomAD v4.1: 105 of 1,613,864 alleles (0.0065%); highest among the groups gnomAD compares: Admixed American, 0.02%; no homozygotes.

Submissions (5):

Labcorp Genetics (formerly Invitae), Labcorp
Classification: Likely benign for Smith-Lemli-Opitz syndrome. Last evaluated: 2025-12-29. Review status: criteria provided, single submitter. Criteria: Invitae Variant Classification Sherloc (09022015). Collection method: clinical testing. Allele origin: germline.

Ambry Genetics
Classification: Likely benign for Inborn genetic diseases. Last evaluated: 2025-01-06. Review status: criteria provided, single submitter. Criteria: Ambry Variant Classification Scheme 2023. Collection method: clinical testing. Allele origin: germline.

Blueprint Genetics
Classification: Likely benign. Last evaluated: 2021-09-08. Review status: criteria provided, single submitter. Criteria: ACMG Guidelines, 2015. Collection method: clinical testing. Allele origin: germline.

Eurofins Ntd Llc (ga)
Classification: Uncertain significance. Last evaluated: 2017-08-08. Review status: criteria provided, single submitter. Criteria: EGL Classification Definitions 2015. Collection method: clinical testing. Allele origin: germline. Observed: 1 variant allele, 1 heterozygote.

PreventionGenetics, part of Exact Sciences
Classification: Likely benign for DHCR7-related condition. Last evaluated: 2019-07-30. Review status: no assertion criteria provided. Collection method: clinical testing. Allele origin: germline. Not counted in ClinVar's aggregate classification.
Comment: This variant is classified as likely benign based on ACMG/AMP sequence variant interpretation guidelines (Richards et al. 2015 PMID: 25741868, with internal and published modifications).

NM_001360.3(DHCR7):c.957G>A (p.Thr319=)

Gene: DHCR7 (7-dehydrocholesterol reductase; minus strand). Cytogenetic location: 11q13.4.
Variant type: single nucleotide variant.
Coding change: c.957G>A on transcript NM_001360.3 (MANE Select); coding-DNA position 957, G replaced by A.
Protein change: p.Thr319=; no amino-acid change (threonine 319 retained).
Molecular consequence: synonymous variant.
Genome position (GRCh38, 1-based): chr11:71,437,818, C>T on the plus strand (G>A on the coding strand, the complement: DHCR7 is on the minus strand). VCF-style: chr11-71437818-C-T. GRCh37 (hg19) VCF-style: chr11-71148864-C-T.
Other names: c.957G>A, p.Thr319= (NM_001163817.2); c.957G>A (NM_001360.2).
Identifiers: ClinVar variation 593565 (VCV000593565.17), dbSNP rs200157761, ClinGen allele CA6162397.